The following is an entry in ClinVar:

ClinVar aggregate classification (germline): Uncertain significance. Review status: criteria provided, multiple submitters, no conflicts (2 of 4 stars). 2 submissions from 2 submitters: Uncertain significance (2). Last evaluated 2025-09-02.

Conditions:
Hereditary nonpolyposis colorectal neoplasms. Identifiers: MedGen C0009405, MeSH D003123.

Submissions (2):

Labcorp Genetics (formerly Invitae), Labcorp
Classification: Uncertain significance for Hereditary nonpolyposis colorectal neoplasms. Last evaluated: 2025-09-02. Review status: criteria provided, single submitter. Criteria: Invitae Variant Classification Sherloc (09022015). Collection method: clinical testing. Allele origin: germline.
Comment: This sequence change replaces lysine, which is basic and polar, with glutamic acid, which is acidic and polar, at codon 59 of the PMS2 protein (p.Lys59Glu). This variant is not present in population databases (gnomAD no frequency). This variant has not been reported in the literature in individuals affected with PMS2-related conditions. ClinVar contains an entry for this variant (Variation ID: 1471387). Invitae Evidence Modeling incorporating data from in vitro experimental studies (internal data) indicates that this missense variant is not expected to disrupt PMS2 function with a negative predictive value of 95%. In summary, the available evidence is currently insufficient to determine the role of this variant in disease. Therefore, it has been classified as a Variant of Uncertain Significance.

Blueprint Genetics
Classification: Uncertain significance. Last evaluated: 2023-07-17. Review status: criteria provided, single submitter. Criteria: ACMG Guidelines, 2015. Collection method: clinical testing. Allele origin: germline.

NM_000535.7(PMS2):c.175A>G (p.Lys59Glu)

Gene: PMS2 (PMS1 homolog 2, mismatch repair system component; minus strand). Cytogenetic location: 7p22.1.
Variant type: single nucleotide variant.
Coding change: c.175A>G on transcript NM_000535.7 (MANE Select); coding-DNA position 175, A replaced by G.
Protein change: p.Lys59Glu; replaces lysine 59 with glutamic acid.
Molecular consequence: missense variant. On other transcripts: 5 prime UTR variant (11), non-coding transcript variant (1).
Genome position (GRCh38, 1-based): chr7:6,004,047, T>C on the plus strand (A>G on the coding strand, the complement: PMS2 is on the minus strand). VCF-style: chr7-6004047-T-C. GRCh37 (hg19) VCF-style: chr7-6043678-T-C.
Other names: c.-231A>G (NM_001322003.2, NM_001322004.2, NM_001322005.2 and 3 more transcripts); c.175A>G, p.Lys59Glu (NM_001322006.2, NM_001322014.2); c.-41A>G (NM_001322007.2, NM_001322008.2); c.-710A>G (NM_001322011.2, NM_001322012.2); c.-310A>G (NM_001322015.2); short protein forms K59E.
Identifiers: ClinVar variation 1471387 (VCV001471387.9), dbSNP rs2128830628, ClinGen allele CA366744914.